The following is an entry in ClinVar:

NM_005051.3(QARS1):c.837A>T (p.Gly279=)

Gene: QARS1 (glutaminyl-tRNA synthetase 1; minus strand). Cytogenetic location: 3p21.31.
Variant type: single nucleotide variant.
Coding change: c.837A>T on transcript NM_005051.3 (MANE Select); coding-DNA position 837, A replaced by T.
Protein change: p.Gly279=; no amino-acid change (glycine 279 retained).
Molecular consequence: synonymous variant. On other transcripts: non-coding transcript variant (1).
Genome position (GRCh38, 1-based): chr3:49,101,394, T>A on the plus strand (A>T on the coding strand, the complement: QARS1 is on the minus strand). VCF-style: chr3-49101394-T-A. GRCh37 (hg19) VCF-style: chr3-49138827-T-A.
Other names: c.804A>T, p.Gly268= (NM_001272073.2).
Identifiers: ClinVar variation 388329 (VCV000388329.1), dbSNP rs1057523072, ClinGen allele CA16604484.

ClinVar aggregate classification (germline): Likely benign (1 of 4 stars; one submission).

Submission:

GeneDx
Classification: Likely benign. Last evaluated: 2016-08-09. Review status: criteria provided, single submitter. Criteria: GeneDx Variant Classification (06012015). Collection method: clinical testing. Allele origin: germline. Affected: yes.
Comment: This variant is considered likely benign or benign based on one or more of the following criteria: it is a conservative change, it occurs at a poorly conserved position in the protein, it is predicted to be benign by multiple in silico algorithms, and/or has population frequency not consistent with disease.